The following is an entry in ClinVar:

ClinVar aggregate classification (germline): Uncertain significance (1 of 4 stars; one submission).

Submission:

GeneDx
Classification: Uncertain significance. Last evaluated: 2020-01-14. Review status: criteria provided, single submitter. Criteria: GeneDx Variant Classification Process June 2021. Collection method: clinical testing. Allele origin: germline. Affected: yes.
Comment: Not observed in large population cohorts (Lek et al., 2016); Nonsense variant predicted to result in protein truncation or nonsense mediated decay in a gene for which loss-of-function is not a known mechanism of disease; Has not been previously published as pathogenic or benign to our knowledge

NM_015425.6(POLR1A):c.3280C>T (p.Gln1094Ter)

Gene: POLR1A (RNA polymerase I subunit A; minus strand). Cytogenetic location: 2p11.2.
Variant type: single nucleotide variant.
Coding change: c.3280C>T on transcript NM_015425.6 (MANE Select); coding-DNA position 3280, C replaced by T.
Protein change: p.Gln1094Ter; replaces glutamine 1094 with a stop codon.
Molecular consequence: nonsense.
Genome position (GRCh38, 1-based): chr2:86,043,051, G>A on the plus strand (C>T on the coding strand, the complement: POLR1A is on the minus strand). VCF-style: chr2-86043051-G-A. GRCh37 (hg19) VCF-style: chr2-86270174-G-A.
Other names: short protein forms Q1094*.
Identifiers: ClinVar variation 1311114 (VCV001311114.2), dbSNP rs2104390512, ClinGen allele CA347537722.